The following is an entry in ClinVar:

NM_002471.4(MYH6):c.1425G>C (p.Glu475Asp)

Gene: MYH6 (myosin heavy chain 6; minus strand). Cytogenetic location: 14q11.2.
Variant type: single nucleotide variant.
Coding change: c.1425G>C on transcript NM_002471.4 (MANE Select); coding-DNA position 1425, G replaced by C.
Protein change: p.Glu475Asp; replaces glutamic acid 475 with aspartic acid.
Molecular consequence: missense variant.
Genome position (GRCh38, 1-based): chr14:23,400,412, C>G on the plus strand (G>C on the coding strand, the complement: MYH6 is on the minus strand). VCF-style: chr14-23400412-C-G. GRCh37 (hg19) VCF-style: chr14-23869621-C-G.
Other names: short protein forms E475D.
Identifiers: ClinVar variation 44452 (VCV000044452.5), dbSNP rs397516755, ClinGen allele CA134239.

ClinVar aggregate classification (germline): Uncertain significance. Review status: criteria provided, multiple submitters, no conflicts (2 of 4 stars). 2 submissions from 2 submitters: Uncertain significance (2). Last evaluated 2023-05-23.

Conditions:
MYH6-related disorder. Also called: MYH6-Related Disorders; MYH6-related condition.

Submissions (2):

PreventionGenetics, part of Exact Sciences
Classification: Uncertain significance for MYH6-related condition. Last evaluated: 2023-05-23. Review status: criteria provided, single submitter. Criteria: ACMG Guidelines, 2015. Collection method: clinical testing. Allele origin: germline.
Comment: The MYH6 c.1425G>C variant is predicted to result in the amino acid substitution p.Glu475Asp. To our knowledge, this variant has not been reported in the literature or in a large population database, indicating this variant is rare. At this time, the clinical significance of this variant is uncertain due to the absence of conclusive functional and genetic evidence.

Laboratory for Molecular Medicine, Mass General Brigham Personalized Medicine
Classification: Uncertain significance. Last evaluated: 2012-01-13. Review status: criteria provided, single submitter. Criteria: LMM Criteria. Collection method: clinical testing. Allele origin: germline. Observed: 1 variant allele.
Comment: The Glu475Asp variant (MYH6) has not been reported in the literature nor previou sly identified by our laboratory. Glutamic acid (Glu) at this position in conse rved across evolutionarily distant species, suggesting that a change may not be tolerated. Computational analysis (AlignGVGD, SIFT, PolyPhen2) suggest that thi s change may impact protein function; however, the accuracy of these tools is un known. In summary, additional information is needed to determine the clinical s ignificance of this variant.